The following is an entry in ClinVar:

ClinVar aggregate classification (germline): Uncertain significance (1 of 4 stars; one submission).

Conditions:
Methylcobalamin deficiency type cblE (HMAE). Also called: HOMOCYSTINURIA-MEGALOBLASTIC ANEMIA, cblE COMPLEMENTATION TYPE; VITAMIN B12-RESPONSIVE HOMOCYSTINURIA, cblE TYPE; HOMOCYSTINURIA-MEGALOBLASTIC ANEMIA, cblE TYPE. Identifiers: Orphanet 2169, Orphanet 622, MedGen C1856057, MONDO:0009354, OMIM 236270.

Submission:

Labcorp Genetics (formerly Invitae), Labcorp
Classification: Uncertain significance for Methylcobalamin deficiency type cblE. Last evaluated: 2022-07-21. Review status: criteria provided, single submitter. Criteria: Invitae Variant Classification Sherloc (09022015). Collection method: clinical testing. Allele origin: germline.
Comment: In summary, the available evidence is currently insufficient to determine the role of this variant in disease. Therefore, it has been classified as a Variant of Uncertain Significance. Algorithms developed to predict the effect of missense changes on protein structure and function output the following: SIFT: "Tolerated"; PolyPhen-2: "Benign"; Align-GVGD: "Class C0". The valine amino acid residue is found in multiple mammalian species, which suggests that this missense change does not adversely affect protein function. This variant has not been reported in the literature in individuals affected with MTRR-related conditions. This variant is not present in population databases (gnomAD no frequency). This sequence change replaces leucine, which is neutral and non-polar, with valine, which is neutral and non-polar, at codon 167 of the MTRR protein (p.Leu167Val).

NM_002454.3(MTRR):c.499C>G (p.Leu167Val)

Gene: MTRR (5-methyltetrahydrofolate-homocysteine methyltransferase reductase; plus strand). Cytogenetic location: 5p15.31.
Variant type: single nucleotide variant.
Coding change: c.499C>G on transcript NM_002454.3 (MANE Select); coding-DNA position 499, C replaced by G.
Protein change: p.Leu167Val; replaces leucine 167 with valine.
Molecular consequence: missense variant. On other transcripts: non-coding transcript variant (14).
Genome position (GRCh38, 1-based): chr5:7,878,041, C>G. VCF-style: chr5-7878041-C-G. GRCh37 (hg19) VCF-style: chr5-7878154-C-G.
Other names: c.499C>G, p.Leu167Val (NM_001364440.2, NM_001364441.2, NM_001364442.2 and 1 more transcripts); short protein forms L167V.
Identifiers: ClinVar variation 2012681 (VCV002012681.4), dbSNP rs769406733, ClinGen allele CA359156866.